The following is an entry in ClinVar:

ClinVar aggregate classification (germline): Uncertain significance (1 of 4 stars; one submission).

Conditions:
Thalassemia. Identifiers: MedGen C0039730, MONDO:0000984.

Submission:

MVZ Dr. Eberhard & Partner Dortmund
Classification: Uncertain significance for Thalassemia. Last evaluated: 2023-02-09. Review status: criteria provided, single submitter. Criteria: ACMG Guidelines, 2015. Collection method: clinical testing. Allele origin: unknown. Observed: 1 heterozygote.
Comment: The position that was modified is part of the CCAAT box within the promoter region. Other variants in this region have been characterized to result in a mild phenotype (β+ or β++) with slightly elevated HbA2 levels and usually normal to borderline MCH and MCV (PMID: 23637309). The variant c.-122T>C was absent from control and variant databases. However, another substitution at this position (c.-122T>A) was already described in several databases with classifications from variant of uncertain significance to pathogenic (ClinVar, HGMD, LOVD3, Ithanet).

NM_000518.4(HBB):c.-122T>C

Genes: HBB (hemoglobin subunit beta; minus strand), LOC106099062 (HBB recombination region; plus strand), LOC107133510 (origin of replication at HBB; plus strand). Cytogenetic location: 11p15.4.
Variant type: single nucleotide variant.
Coding change: c.-122T>C on transcript NM_000518.4; 122 bases upstream of the start codon, T replaced by C.
Genome position (GRCh38, 1-based): chr11:5,227,143, A>G on the plus strand (T>C on the coding strand, the complement: HBB is on the minus strand). VCF-style: chr11-5227143-A-G. GRCh37 (hg19) VCF-style: chr11-5248373-A-G.
Identifiers: ClinVar variation 2775404 (VCV002775404.2), dbSNP rs1272414751, ClinGen allele CA2579829281.